The following is an entry in ClinVar:

NM_001113378.2(FANCI):c.2879_2884dup (p.Gln961_Phe962insTrpGln)

Gene: FANCI (FA complementation group I; plus strand). Cytogenetic location: 15q26.1.
Variant type: Duplication.
Coding change: c.2879_2884dup on transcript NM_001113378.2 (MANE Select); coding-DNA positions 2879 to 2884, 6 bases duplicated (GGCAAT; older notation c.2879_2884dupGGCAAT).
Protein change: p.Gln961_Phe962insTrpGln.
Molecular consequence: inframe insertion.
Genome position (GRCh38, 1-based): chr15:89,300,375-89,300,380, GGCAAT duplicated. VCF-style (leftmost placement, unchanged base first): chr15-89300374-C-CGGCAAT. GRCh37 (hg19) VCF-style: chr15-89843605-C-CGGCAAT.
Other names: c.2600_2605dup, p.Gln868_Phe869insTrpGln (NM_001376910.1); c.2879_2884dup, p.Gln961_Phe962insTrpGln (NM_001376911.1); c.2699_2704dup, p.Gln901_Phe902insTrpGln (NM_018193.3).
Identifiers: ClinVar variation 1331383 (VCV001331383.9), dbSNP rs776851666, ClinGen allele CA7723491.
Genomic context (GRCh38, chr15:89,300,374, plus strand): 5'-GAAGGAGAAGAGAGAGAAGATGCAGATGTCAGTGTCACTCAGAGAACAGCATTCCAGATC[C>CGGCAAT]GGCAATTTCAGGTGAGAAGCCTTGCAAAGCTGCTGTACTGGCCTGAGAGGCTTTGCAAAG-3'

ClinVar aggregate classification (germline): Conflicting classifications of pathogenicity. Review status: criteria provided, conflicting classifications (1 of 4 stars). 3 submissions from 3 submitters: Uncertain significance (2); Likely benign (1). Last evaluated 2024-10-12.

Conditions:
Fanconi anemia complementation group I (FANCI). Also called: FANCI-Related Fanconi Anemia. Identifiers: Orphanet 84, MedGen C1836861, MONDO:0012186, OMIM 609053.
Fanconi anemia (FA). Also called: Fanconi's anemia. Identifiers: Orphanet 84, MedGen C0015625, MeSH D005199, MONDO:0019391.

Allele frequency attached by ClinVar (database versions not stated): gnomAD 0.00001; gnomAD exomes 0.00002 and 0.00006; TOPMed 0.00003; ExAC 0.00007.

Submissions (3):

Labcorp Genetics (formerly Invitae), Labcorp
Classification: Uncertain significance for Fanconi anemia. Last evaluated: 2024-10-12. Review status: criteria provided, single submitter. Criteria: Invitae Variant Classification Sherloc (09022015). Collection method: clinical testing. Allele origin: germline.
Comment: This variant, c.2879_2884dup, results in the insertion of 2 amino acid(s) of the FANCI protein (p.Gln961_Phe962insTrpGln), but otherwise preserves the integrity of the reading frame. This variant is present in population databases (rs776851666, gnomAD 0.08%). This variant has been observed in individual(s) with acute myeloid leukemia (PMID: 31470354). ClinVar contains an entry for this variant (Variation ID: 1331383). Experimental studies and prediction algorithms are not available or were not evaluated, and the functional significance of this variant is currently unknown. In summary, the available evidence is currently insufficient to determine the role of this variant in disease. Therefore, it has been classified as a Variant of Uncertain Significance.

Fulgent Genetics
Classification: Uncertain significance for Fanconi anemia complementation group I. Last evaluated: 2024-04-23. Review status: criteria provided, single submitter. Criteria: ACMG Guidelines, 2015. Collection method: clinical testing. Allele origin: germline.

Women's Health and Genetics/Laboratory Corporation of America, LabCorp
Classification: Likely benign. Last evaluated: 2021-12-10. Review status: criteria provided, single submitter. Criteria: LabCorp Variant Classification Summary - May 2015. Collection method: clinical testing. Allele origin: germline.
Comment: Variant summary: FANCI c.2879_2884dupGGCAAT (p.Gln961_Phe962insTrpGln) results in an in-frame insertion that is predicted to insert two amino acids into the encoded protein. The variant allele was found at a frequency of 6e-05 in 251284 control chromosomes, predominantly at a frequency of 0.00082 within the East Asian subpopulation in the gnomAD database. The observed variant frequency within East Asian control individuals in the gnomAD database is approximately 2.9-fold of the estimated maximal expected allele frequency (MPAF) for a pathogenic variant in FANCI causing the Fanconi Anemia phenotype (0.00028). However, in the Korean subpopulation the variant was reported with an even higher allele frequency 0.0029 (i.e. 11 / 3818 alleles) that is ~10-fold higher than the estimated MPAF, strongly suggesting that the variant is a benign polymorphism found primarily in populations of East Asian origin. The variant, c.2879_2884dupGGCAAT, has been reported in the literature in two East Asian individuals affected with acute myeloid leukemia (Jeong_2019) and breast cancer (Yang_2015), however these reports do not provide unequivocal conclusions about association of the variant with Fanconi Anemia. To our knowledge, no experimental evidence demonstrating an impact on protein function has been reported. No clinical diagnostic laboratories have submitted clinical-significance assessments for this variant to ClinVar after 2014. Based on the evidence outlined above, the variant was classified as likely benign.

Literature cited by the submitters: PubMed 31470354 (cited by Labcorp Genetics (formerly Invitae), Labcorp and Women's Health and Genetics/Laboratory Corporation of America, LabCorp); PubMed 25927356 (cited by Women's Health and Genetics/Laboratory Corporation of America, LabCorp).